The following is an entry in ClinVar:

NM_000179.3(MSH6):c.2529A>G (p.Ile843Met)

Gene: MSH6 (mutS homolog 6; plus strand). Cytogenetic location: 2p16.3.
Variant type: single nucleotide variant.
Coding change: c.2529A>G on transcript NM_000179.3 (MANE Select); coding-DNA position 2529, A replaced by G.
Protein change: p.Ile843Met; replaces isoleucine 843 with methionine.
Molecular consequence: missense variant.
Genome position (GRCh38, 1-based): chr2:47,800,512, A>G. VCF-style: chr2-47800512-A-G. GRCh37 (hg19) VCF-style: chr2-48027651-A-G.
Other names: c.2139A>G, p.Ile713Met (NM_001281492.2); c.1623A>G, p.Ile541Met (NM_001281493.2, NM_001281494.2); short protein forms I843M, I541M, I713M.
Identifiers: ClinVar variation 483790 (VCV000483790.21), dbSNP rs1553413880, ClinGen allele CA346754435.

ClinVar aggregate classification (germline): Uncertain significance. Review status: criteria provided, multiple submitters, no conflicts (2 of 4 stars). 4 submissions from 4 submitters: Uncertain significance (4). Last evaluated 2025-03-18.

Conditions:
Lynch syndrome. Identifiers: Orphanet 144, MedGen C4552100, MONDO:0005835. Disease mechanism: loss of function.
Hereditary nonpolyposis colorectal neoplasms. Identifiers: MedGen C0009405, MeSH D003123.
Hereditary cancer-predisposing syndrome. Also called: Neoplastic Syndromes, Hereditary; Tumor predisposition; Hereditary Cancer Syndrome; Hereditary neoplastic syndrome. Identifiers: Orphanet 140162, MedGen C0027672, MeSH D009386, MONDO:0015356.

Allele frequency attached by ClinVar (database versions not stated): gnomAD exomes below 0.00001.
gnomAD v4.1: 1 of 1,613,242 alleles (0.000062%); highest among the groups gnomAD compares: Non-Finnish European, 0.000085%; no homozygotes.

Submissions (4):

Labcorp Genetics (formerly Invitae), Labcorp
Classification: Uncertain significance for Hereditary nonpolyposis colorectal neoplasms. Last evaluated: 2025-03-18. Review status: criteria provided, single submitter. Criteria: Invitae Variant Classification Sherloc (09022015). Collection method: clinical testing. Allele origin: germline.
Comment: This sequence change replaces isoleucine, which is neutral and non-polar, with methionine, which is neutral and non-polar, at codon 843 of the MSH6 protein (p.Ile843Met). This variant is not present in population databases (gnomAD no frequency). This variant has not been reported in the literature in individuals affected with MSH6-related conditions. ClinVar contains an entry for this variant (Variation ID: 483790). Invitae Evidence Modeling of protein sequence and biophysical properties (such as structural, functional, and spatial information, amino acid conservation, physicochemical variation, residue mobility, and thermodynamic stability) has been performed for this missense variant. However, the output from this modeling did not meet the statistical confidence thresholds required to predict the impact of this variant on MSH6 protein function. In summary, the available evidence is currently insufficient to determine the role of this variant in disease. Therefore, it has been classified as a Variant of Uncertain Significance.

Color Diagnostics, LLC DBA Color Health
Classification: Uncertain significance for Hereditary cancer-predisposing syndrome. Last evaluated: 2024-03-07. Review status: criteria provided, single submitter. Criteria: ACMG Guidelines, 2015. Collection method: clinical testing. Allele origin: germline.
Comment: This missense variant replaces isoleucine with methionine at codon 843 of the MSH6 protein. Computational prediction is inconclusive regarding the impact of this variant on protein structure and function (internally defined REVEL score threshold 0.5 < inconclusive < 0.7, PMID: 27666373). To our knowledge, functional studies have not been reported for this variant. This variant has not been reported in individuals affected with MSH6-related disorders in the literature. This variant has not been identified in the general population by the Genome Aggregation Database (gnomAD). The available evidence is insufficient to determine the role of this variant in disease conclusively. Therefore, this variant is classified as a Variant of Uncertain Significance.

All of Us Research Program, National Institutes of Health
Classification: Uncertain significance for Lynch syndrome. Last evaluated: 2023-05-16. Review status: criteria provided, single submitter. Criteria: ACMG Guidelines, 2015. Collection method: clinical testing. Allele origin: germline. Inheritance: Autosomal dominant inheritance. Observed: 1 variant allele, 1 heterozygote.
Comment: This missense variant replaces isoleucine with methionine at codon 843 of the MSH6 protein. Computational prediction is inconclusive regarding the impact of this variant on protein structure and function (internally defined REVEL score threshold 0.5 < inconclusive < 0.7, PMID: 27666373). To our knowledge, functional studies have not been reported for this variant. This variant has not been reported in individuals affected with MSH6-related disorders in the literature. This variant has not been identified in the general population by the Genome Aggregation Database (gnomAD). The available evidence is insufficient to determine the role of this variant in disease conclusively. Therefore, this variant is classified as a Variant of Uncertain Significance.

This study involves interpretation of variants in research participants for the purpose of population health screening. Participant phenotype was not available at the time of variant classification. Additional details can be found in publication PMID: 35346344, PMCID: PMC8962531

Ambry Genetics
Classification: Uncertain significance for Hereditary cancer-predisposing syndrome. Last evaluated: 2016-03-11. Review status: criteria provided, single submitter. Criteria: Ambry Variant Classification Scheme 2023. Collection method: clinical testing. Allele origin: germline.
Comment: The p.I843M variant (also known as c.2529A>G), located in coding exon 4 of the MSH6 gene, results from an A to G substitution at nucleotide position 2529. The isoleucine at codon 843 is replaced by methionine, an amino acid with highly similar properties. This variant was not reported in population based cohorts in the following databases: Database of Single Nucleotide Polymorphisms (dbSNP), NHLBI Exome Sequencing Project (ESP), and 1000 Genomes Project. In the ESP, this variant was not observed in 6490 samples (12980 alleles) with coverage at this position. To date, this alteration has been detected with an allele frequency of approximately 0.001% (greater than 115000 alleles tested) in our clinical cohort. This amino acid position is not well conserved in available vertebrate species. In addition, the in silico prediction for this alteration is inconclusive. In addition, the CoDP in silico tool predicts this alteration will likely impair molecular function, with a score of 0.703 (Terui H et al. J. Biomed. Sci. 2013;20:25). Since supporting evidence is limited at this time, the clinical significance of this alteration remains unclear.